The following is an entry in ClinVar:

NM_130839.5(UBE3A):c.2357A>C (p.Glu786Ala)

Genes: SNHG14 (small nucleolar RNA host gene 14; plus strand), UBE3A (ubiquitin protein ligase E3A; minus strand). Cytogenetic location: 15q11.2.
Variant type: single nucleotide variant.
Coding change: c.2357A>C on transcript NM_130839.5 (MANE Select); coding-DNA position 2357, A replaced by C.
Protein change: p.Glu786Ala; replaces glutamic acid 786 with alanine.
Molecular consequence: missense variant. On other transcripts: non-coding transcript variant (1).
Genome position (GRCh38, 1-based): chr15:25,340,226, T>G on the plus strand (A>C on the coding strand, the complement: UBE3A is on the minus strand). VCF-style: chr15-25340226-T-G. GRCh37 (hg19) VCF-style: chr15-25585373-T-G.
Other names: c.2357A>C, p.Glu786Ala (NM_001354538.2, NM_001354505.1); c.2297A>C, p.Glu766Ala (NM_001354539.2, NM_001354540.2, NM_001354541.2 and 14 more transcripts); c.2201A>C, p.Glu734Ala (NM_001354545.2); c.2180A>C, p.Glu727Ala (NM_001354546.2); c.2141A>C, p.Glu714Ala (NM_001354547.2, NM_001354548.2); c.2366A>C, p.Glu789Ala (NM_000462.5); c.2132A>C, p.Glu711Ala (NM_001354549.2); c.1106A>C, p.Glu369Ala (NM_001354550.2); and 1 more; short protein forms E349A, E369A, E711A, E714A, E727A, E734A, E766A, E786A.
Identifiers: ClinVar variation 1329670 (VCV001329670.2), dbSNP rs2152515522, ClinGen allele CA391351270.

ClinVar aggregate classification (germline): Uncertain significance (1 of 4 stars; one submission).

Submission:

GeneDx
Classification: Uncertain significance. Last evaluated: 2021-06-25. Review status: criteria provided, single submitter. Criteria: GeneDx Variant Classification Process June 2021. Collection method: clinical testing. Allele origin: germline. Affected: yes.
Comment: Not observed at significant frequency in large population cohorts (Lek et al., 2016); In silico analysis supports that this missense variant has a deleterious effect on protein structure/function; Has not been previously published as pathogenic or benign to our knowledge; This variant is associated with the following publications: (PMID: 27535533)